The following is an entry in ClinVar:

ClinVar aggregate classification (germline): Likely pathogenic (1 of 4 stars; one submission).

Conditions:
Developmental and epileptic encephalopathy, 34 (DEE34). Also called: SLC12A5-Related Epilepsy of Infancy with Migrating Focal Seizures; Early infantile epileptic encephalopathy 34. Identifiers: Orphanet 293181, MedGen C4225257, MONDO:0014718, OMIM 616645.

Submission:

Laboratory of Medical Genetics, National & Kapodistrian University of Athens
Classification: Likely pathogenic for Developmental and epileptic encephalopathy, 34. Last evaluated: 2023-05-17. Review status: criteria provided, single submitter. Criteria: ACMG Guidelines, 2015. Collection method: clinical testing. Allele origin: germline. Affected: yes.
Comment: PVS1, PM2 - Low frequency in gnomAD population databases. Loss-of-function variants in SLC12A5 are known to be pathogenic (PMID: 38660387).

NM_020708.5(SLC12A5):c.1030C>T (p.Gln344Ter)

Gene: SLC12A5 (solute carrier family 12 member 5; plus strand). Cytogenetic location: 20q13.12.
Variant type: single nucleotide variant.
Coding change: c.1030C>T on transcript NM_020708.5 (MANE Select); coding-DNA position 1030, C replaced by T.
Protein change: p.Gln344Ter; replaces glutamine 344 with a stop codon.
Molecular consequence: nonsense.
Genome position (GRCh38, 1-based): chr20:46,041,504, C>T. VCF-style: chr20-46041504-C-T. GRCh37 (hg19) VCF-style: chr20-44670143-C-T.
Other names: c.1099C>T, p.Gln367Ter (NM_001134771.2); short protein forms Q344*, Q367*.
Identifiers: ClinVar variation 3256539 (VCV003256539.1).